The following is an entry in ClinVar:

NM_024665.7(TBL1XR1):c.1047+4A>G

Genes: TBL1XR1 (TBL1X/Y related 1; minus strand), TBL1XR1-AS1 (TBL1XR1 antisense RNA 1; plus strand), LOC126806878 (CDK7 strongly-dependent group 2 enhancer GRCh37_chr3:176755168-176756367; plus strand). Cytogenetic location: 3q26.32.
Variant type: single nucleotide variant.
Coding change: c.1047+4A>G on transcript NM_024665.7 (MANE Select); 4 bases into the intron after coding-DNA position 1047, A replaced by G.
Molecular consequence: intron variant.
Genome position (GRCh38, 1-based): chr3:177,038,309, T>C on the plus strand (A>G on the coding strand, the complement: TBL1XR1 is on the minus strand). VCF-style: chr3-177038309-T-C. GRCh37 (hg19) VCF-style: chr3-176756097-T-C.
Other names: c.1047+4A>G (NM_001374327.1, NM_001321194.3, NM_001321193.3 and 2 more transcripts); c.786+4A>G (NM_001374330.1, NM_001321195.3).
Identifiers: ClinVar variation 624036 (VCV000624036.51), dbSNP rs752675721, ClinGen allele CA2709853.
Genomic context (GRCh38, chr3:177,038,309, plus strand): 5'-AAAACTATTCTGAAACATTACTTGTTAATCATGACCACTTTAATGTGGAAAAAAGGTTTC[T>C]TACCGTATGTCCTTGGAATGTTTTAATAGGTCTGTCTTGTCCTAATTTACAGACATGAAT-3'

ClinVar aggregate classification (germline): Uncertain significance. Review status: criteria provided, multiple submitters, no conflicts (2 of 4 stars). 2 submissions from 2 submitters: Uncertain significance (2). Last evaluated 2022-07-19.

Conditions:
Pierpont syndrome (PRPTS). Identifiers: Orphanet 487825, MedGen C1865644, MONDO:0011213, OMIM 602342.

Allele frequency attached by ClinVar (database versions not stated): gnomAD exomes below 0.00001; gnomAD 0.00001; TOPMed 0.00001; ExAC 0.00002.
gnomAD v4.1: 7 of 1,595,472 alleles (0.00044%); highest among the groups gnomAD compares: Non-Finnish European, 0.0006%; no homozygotes.

Submissions (2):

Labcorp Genetics (formerly Invitae), Labcorp
Classification: Uncertain significance for Pierpont syndrome. Last evaluated: 2022-07-19. Review status: criteria provided, single submitter. Criteria: Invitae Variant Classification Sherloc (09022015). Collection method: clinical testing. Allele origin: germline.
Comment: In summary, the available evidence is currently insufficient to determine the role of this variant in disease. Therefore, it has been classified as a Variant of Uncertain Significance. Variants that disrupt the consensus splice site are a relatively common cause of aberrant splicing (PMID: 17576681, 9536098). Algorithms developed to predict the effect of sequence changes on RNA splicing suggest that this variant is not likely to affect RNA splicing. ClinVar contains an entry for this variant (Variation ID: 624036). This variant has not been reported in the literature in individuals affected with TBL1XR1-related conditions. The frequency data for this variant in the population databases is considered unreliable, as metrics indicate poor data quality at this position in the gnomAD database. This sequence change falls in intron 11 of the TBL1XR1 gene. It does not directly change the encoded amino acid sequence of the TBL1XR1 protein. It affects a nucleotide within the consensus splice site.

CeGaT Center for Human Genetics Tuebingen
Classification: Uncertain significance. Last evaluated: 2018-04-01. Review status: criteria provided, single submitter. Criteria: CeGaT Center For Human Genetics Tuebingen Variant Classification Criteria Version 2. Collection method: clinical testing. Allele origin: germline. Affected: yes. Observed: 1 variant allele.

Literature cited by the submitters: PubMed 17576681 (cited by Labcorp Genetics (formerly Invitae), Labcorp); PubMed 9536098 (cited by Labcorp Genetics (formerly Invitae), Labcorp).